The following is an entry in ClinVar:

NM_014023.4(WDR37):c.727-27_727-24del

Gene: WDR37 (WD repeat domain 37; plus strand). Cytogenetic location: 10p15.3.
Variant type: Microsatellite.
Coding change: c.727-27_727-24del on transcript NM_014023.4 (MANE Select); 27 bases into the intron before coding-DNA position 727 through 24 bases into the intron before coding-DNA position 727, 4 bases deleted (CTTT; older notation c.727-27_727-24delCTTT).
Molecular consequence: intron variant.
Genome position (GRCh38, 1-based): chr10:1,103,575-1,103,578, CTTT deleted; deleting any 4 consecutive bases within chr10:1,103,570-1,103,578 gives the same sequence; the c. name uses the placement nearest the transcript's 3' end. VCF-style (leftmost placement, unchanged base first): chr10-1103569-GTCTT-G. GRCh37 (hg19) VCF-style: chr10-1149509-GTCTT-G.
Identifiers: ClinVar variation 2506456 (VCV002506456.3), dbSNP rs2490748562, ClinGen allele CA2580615425.

ClinVar aggregate classification (germline): Likely pathogenic. Review status: criteria provided, multiple submitters, no conflicts (2 of 4 stars). 2 submissions from 2 submitters: Likely pathogenic (2). Last evaluated 2025-08-28.

Conditions:
Neurooculocardiogenitourinary syndrome. Identifiers: Orphanet 684305, MedGen C5231443, MONDO:0032850, OMIM 618652.

Submissions (2):

3billion
Classification: Likely pathogenic for Neurooculocardiogenitourinary syndrome. Last evaluated: 2025-08-28. Review status: criteria provided, single submitter. Criteria: ACMG Guidelines, 2015. Collection method: clinical testing. Allele origin: germline. Affected: yes.
Comment: The variant is not observed in the gnomAD v4.1.0 dataset. Predicted Consequence/Location: Intron variant In silico tools predict the variant to alter splicing and produce an abnormal transcript [SpliceAI: 0.44 (>=0.2, moderate evidence for spliceogenicity)]. The variant has been previously reported as de novo in a similarly affected individual (PMID: 38044197). The variant has been reported to be associated with WDR37-related disorder (ClinVar ID: VCV002506456 /PMID: 38044197). Therefore, this variant is classified as Likely pathogenic according to the recommendation of ACMG/AMP guideline.

Department Of Biochemistry, Hamamatsu University School Of Medicine
Classification: Likely pathogenic for Neurooculocardiogenitourinary syndrome. Review status: criteria provided, single submitter. Criteria: ACMG Guidelines, 2015. Collection method: research. Allele origin: de novo. Inheritance: Sporadic. Affected: yes. Observed: 1 heterozygote.

Literature cited by the submitters: PubMed 38044197 (cited by 3billion); PubMed 31327510 (cited by Department Of Biochemistry, Hamamatsu University School Of Medicine).